The following is an entry in ClinVar:

ClinVar aggregate classification (germline): Uncertain significance (1 of 4 stars; one submission).

Submission:

GeneDx
Classification: Uncertain significance. Last evaluated: 2024-12-05. Review status: criteria provided, single submitter. Criteria: GeneDx Variant Classification Process June 2021. Collection method: clinical testing. Allele origin: germline. Affected: yes.
Comment: Not observed at significant frequency in large population cohorts (gnomAD); In silico analysis supports that this missense variant has a deleterious effect on protein structure/function; Has not been previously published as pathogenic or benign to our knowledge

NM_021096.4(CACNA1I):c.3973G>C (p.Val1325Leu)

Gene: CACNA1I (calcium voltage-gated channel subunit alpha1 I; plus strand). Cytogenetic location: 22q13.1.
Variant type: single nucleotide variant.
Coding change: c.3973G>C on transcript NM_021096.4 (MANE Select); coding-DNA position 3973, G replaced by C.
Protein change: p.Val1325Leu; replaces valine 1325 with leucine.
Molecular consequence: missense variant.
Genome position (GRCh38, 1-based): chr22:39,665,619, G>C. VCF-style: chr22-39665619-G-C. GRCh37 (hg19) VCF-style: chr22-40061624-G-C.
Other names: c.3868G>C, p.Val1290Leu (NM_001003406.2); short protein forms V1290L, V1325L.
Identifiers: ClinVar variation 3901338 (VCV003901338.1).